The following is an entry in ClinVar:

ClinVar aggregate classification (germline): Uncertain significance. Review status: criteria provided, multiple submitters, no conflicts (2 of 4 stars). 2 submissions from 2 submitters: Uncertain significance (2). Last evaluated 2022-12-19.

Conditions:
Developmental delay with or without dysmorphic facies and autism. Identifiers: MedGen C5193106, MONDO:0032760, OMIM 618454.
TRRAP-related disorder. Also called: TRRAP-related condition.

Allele frequency attached by ClinVar (database versions not stated): ExAC 0.00001; gnomAD 0.00001; gnomAD exomes 0.00001; TOPMed 0.00001.
gnomAD v4.1: 9 of 1,614,020 alleles (0.00056%); highest among the groups gnomAD compares: South Asian, 0.0022%; no homozygotes.

Submissions (2):

PreventionGenetics, part of Exact Sciences
Classification: Uncertain significance for TRRAP-related condition. Last evaluated: 2022-12-19. Review status: criteria provided, single submitter. Criteria: ACMG Guidelines, 2015. Collection method: clinical testing. Allele origin: germline.
Comment: The TRRAP c.6124C>T variant is predicted to result in the amino acid substitution p.Arg2042Cys. To our knowledge, this variant has not been reported in the literature. This variant is reported in 0.0065% of alleles in individuals of South Asian descent in gnomAD, including one heterozygous individual from the control cohort. At this time, the clinical significance of this variant is uncertain due to the absence of conclusive functional and genetic evidence.

Neuberg Centre For Genomic Medicine, NCGM
Classification: Uncertain significance for Developmental delay with or without dysmorphic facies and autism. Review status: criteria provided, single submitter. Criteria: ACMG Guidelines, 2015. Collection method: clinical testing. Allele origin: germline. Inheritance: Autosomal dominant inheritance. Affected: yes.
Comment: The missense variant c.6199C>T (p.Arg2067Cys) in TRRAP gene has not been reported previously as a pathogenic variant nor as a benign variant, to our knowledge. This variant is reported with the allele frequency (0.001%) in the gnomAD and novel in 1000 genome database. The amino acid Arginine at position 2067 is changed to a Cysteine changing protein sequence and it might alter its composition and physico-chemical properties. The variant is predicted as conserved by GERP++ and PhyloP across 100 vertebrates. For these reasons, this variant has been classified as Uncertain Significance.

NM_001375524.1(TRRAP):c.6199C>T (p.Arg2067Cys)

Gene: TRRAP (transformation/transcription domain associated protein; plus strand). Cytogenetic location: 7q22.1.
Variant type: single nucleotide variant.
Coding change: c.6199C>T on transcript NM_001375524.1 (MANE Select); coding-DNA position 6199, C replaced by T.
Protein change: p.Arg2067Cys; replaces arginine 2067 with cysteine.
Molecular consequence: missense variant.
Genome position (GRCh38, 1-based): chr7:98,956,501, C>T. VCF-style: chr7-98956501-C-T. GRCh37 (hg19) VCF-style: chr7-98554124-C-T.
Other names: c.6178C>T, p.Arg2060Cys (NM_001244580.2); c.6124C>T, p.Arg2042Cys (NM_003496.4); c.6124C>T (NM_003496.3); short protein forms R2042C, R2060C, R2067C.
Identifiers: ClinVar variation 2584944 (VCV002584944.2), dbSNP rs771205391, ClinGen allele CA4360771.